The following is an entry in ClinVar:

NM_001042492.3(NF1):c.2850+5del

Gene: NF1 (neurofibromin 1; plus strand). Cytogenetic location: 17q11.2.
Variant type: Deletion.
Coding change: c.2850+5del on transcript NM_001042492.3 (MANE Select); 5 bases into the intron after coding-DNA position 2850, one base deleted (A; older notation c.2850+5delA).
Molecular consequence: intron variant.
Genome position (GRCh38, 1-based): chr17:31,229,470, A deleted; the last of 3 consecutive A bases (chr17:31,229,468-31,229,470); deleting any one gives the same sequence. VCF-style (leftmost placement, unchanged base first): chr17-31229467-TA-T. GRCh37 (hg19) VCF-style: chr17-29556485-TA-T.
Other names: c.2850+5del (NM_000267.4).
Identifiers: ClinVar variation 4710179 (VCV004710179.1).
Genomic context (GRCh38, chr17:31,229,467, plus strand): 5'-CAATGCTATTTAACAAATTGAAGAATACCATCAGCAAGTTTTTTGACTCCCAAGGACAGG[TA>T]AAGTGTTCTCTTATTTTTCACCTTTCTCTATGAATAGAGTGACTTGTTTGAAATAAGCCT-3'

ClinVar aggregate classification (germline): Uncertain significance (1 of 4 stars; one submission).

Conditions:
Neurofibromatosis, type 1 (NF1). Also called: VON RECKLINGHAUSEN DISEASE; Peripheral type neurofibromatosis; NEUROFIBROMATOSIS, TYPE I, SOMATIC; Neurofibromatosis, type I. Identifiers: Orphanet 636, MedGen C0027831, MONDO:0018975, OMIM 162200. Disease mechanism: loss of function.

Submission:

Labcorp Genetics (formerly Invitae), Labcorp
Classification: Uncertain significance for Neurofibromatosis, type 1. Last evaluated: 2026-01-13. Review status: criteria provided, single submitter. Criteria: Invitae Variant Classification Sherloc (09022015). Collection method: clinical testing. Allele origin: germline.
Comment: This sequence change falls in intron 21 of the NF1 gene. It does not directly change the encoded amino acid sequence of the NF1 protein. It affects a nucleotide within the consensus splice site. This variant is not present in population databases (gnomAD no frequency). This variant has not been reported in the literature in individuals affected with NF1-related conditions. Variants that disrupt the consensus splice site are a relatively common cause of aberrant splicing (PMID: 17576681, 9536098). Algorithms developed to predict the effect of sequence changes on RNA splicing suggest that this variant is not likely to affect RNA splicing. In summary, the available evidence is currently insufficient to determine the role of this variant in disease. Therefore, it has been classified as a Variant of Uncertain Significance.

Literature cited by the submitters: PubMed 17576681; PubMed 9536098.